The following is an entry in ClinVar:

NM_001103.4(ACTN2):c.2673G>C (p.Glu891Asp)

Gene: ACTN2 (actinin alpha 2; plus strand). Cytogenetic location: 1q43.
Variant type: single nucleotide variant.
Coding change: c.2673G>C on transcript NM_001103.4 (MANE Select); coding-DNA position 2673, G replaced by C.
Protein change: p.Glu891Asp; replaces glutamic acid 891 with aspartic acid.
Molecular consequence: missense variant.
Genome position (GRCh38, 1-based): chr1:236,762,607, G>C. VCF-style: chr1-236762607-G-C. GRCh37 (hg19) VCF-style: chr1-236925907-G-C.
Other names: c.2673G>C, p.Glu891Asp (NM_001278343.2); c.2049G>C, p.Glu683Asp (NM_001278344.2); short protein forms E683D, E891D.
Identifiers: ClinVar variation 1044271 (VCV001044271.9), dbSNP rs1659744712, ClinGen allele CA345392706.

ClinVar aggregate classification (germline): Uncertain significance (1 of 4 stars; one submission).

Conditions:
Primary familial hypertrophic cardiomyopathy (HCM). Identifiers: Orphanet 99739, MedGen C0949658, MeSH D024741, MONDO:0024573. Inheritance: Various modes of inheritance.
Dilated cardiomyopathy 1AA (CMD1AA). Also called: CARDIOMYOPATHY, FAMILIAL HYPERTROPHIC, 23, WITH OR WITHOUT LEFT VENTRICULAR NONCOMPACTION; CARDIOMYOPATHY, DILATED, 1AA, WITH OR WITHOUT LEFT VENTRICULAR NONCOMPACTION; Cardiomyopathy, dilated, 1AA, with or without LVNC. Identifiers: Orphanet 154, MedGen C2677338, MONDO:0012808, OMIM 612158.

Submission:

Labcorp Genetics (formerly Invitae), Labcorp
Classification: Uncertain significance for Primary familial hypertrophic cardiomyopathy; Dilated cardiomyopathy 1AA. Last evaluated: 2020-06-30. Review status: criteria provided, single submitter. Criteria: Invitae Variant Classification Sherloc (09022015). Collection method: clinical testing. Allele origin: germline.
Comment: In summary, the available evidence is currently insufficient to determine the role of this variant in disease. Therefore, it has been classified as a Variant of Uncertain Significance. Algorithms developed to predict the effect of missense changes on protein structure and function (SIFT, PolyPhen-2, Align-GVGD) all suggest that this variant is likely to be disruptive, but these predictions have not been confirmed by published functional studies and their clinical significance is uncertain. This variant has not been reported in the literature in individuals with ACTN2-related conditions. This variant is not present in population databases (ExAC no frequency). This sequence change replaces glutamic acid with aspartic acid at codon 891 of the ACTN2 protein (p.Glu891Asp). The glutamic acid residue is highly conserved and there is a small physicochemical difference between glutamic acid and aspartic acid.